The following is an entry in ClinVar:

ClinVar aggregate classification (germline): Uncertain significance (1 of 4 stars; one submission).

Conditions:
Inborn genetic diseases. Identifiers: MedGen C0950123, MeSH D030342.

Submission:

Ambry Genetics
Classification: Uncertain significance for Inborn genetic diseases. Last evaluated: 2025-10-14. Review status: criteria provided, single submitter. Criteria: Ambry Variant Classification Scheme 2023. Collection method: clinical testing. Allele origin: germline.
Comment: The p.R872S variant (also known as c.2616G>C), located in coding exon 15 of the RECQL4 gene, results from a G to C substitution at nucleotide position 2616. The arginine at codon 872 is replaced by serine, an amino acid with dissimilar properties. This amino acid position is conserved. In addition, this alteration is predicted to be tolerated by in silico analysis. Based on the available evidence, the clinical significance of this variant remains unclear.

NM_004260.4(RECQL4):c.2616G>C (p.Arg872Ser)

Gene: RECQL4 (RecQ like helicase 4; minus strand). Cytogenetic location: 8q24.3.
Variant type: single nucleotide variant.
Coding change: c.2616G>C on transcript NM_004260.4 (MANE Select); coding-DNA position 2616, G replaced by C.
Protein change: p.Arg872Ser; replaces arginine 872 with serine.
Molecular consequence: missense variant. On other transcripts: non-coding transcript variant (3).
Genome position (GRCh38, 1-based): chr8:144,512,986, C>G on the plus strand (G>C on the coding strand, the complement: RECQL4 is on the minus strand). VCF-style: chr8-144512986-C-G. GRCh37 (hg19) VCF-style: chr8-145738369-C-G.
Other names: c.2322G>C, p.Arg774Ser (NM_001413017.1); c.2418G>C, p.Arg806Ser (NM_001413018.1); c.2616G>C, p.Arg872Ser (NM_001413019.1, NM_001413036.1); c.2520G>C, p.Arg840Ser (NM_001413020.1); c.1545G>C, p.Arg515Ser (NM_001413021.1, NM_001413022.1, NM_001413023.1 and 5 more transcripts); c.2487G>C, p.Arg829Ser (NM_001413025.1); c.1479G>C, p.Arg493Ser (NM_001413027.1, NM_001413030.1, NM_001413032.1 and 1 more transcripts); c.2265G>C, p.Arg755Ser (NM_001413029.1); and 6 more; short protein forms R383S, R471S, R505S, R829S, R872S, R449S, R755S, R774S.
Identifiers: ClinVar variation 4628952 (VCV004628952.1).